The following is an entry in ClinVar:

ClinVar aggregate classification (germline): Uncertain significance. Review status: criteria provided, multiple submitters, no conflicts (2 of 4 stars). 2 submissions from 2 submitters: Uncertain significance (2). Last evaluated 2025-10-07.

Conditions:
Cardiovascular phenotype. Identifiers: MedGen CN230736.
Brugada syndrome. Also called: Sudden unexpected nocturnal death syndrome; Sudden unexplained nocturnal death syndrome; Sudden Unexplained Death Syndrome; Sudden Unexplained Nocturnal Death Syndrome (SUNDS). Identifiers: Orphanet 130, MedGen C1142166, MONDO:0015263.

Allele frequency attached by ClinVar (database versions not stated): TOPMed below 0.00001; ExAC 0.00001; gnomAD 0.00001.
gnomAD v4.1: 22 of 1,613,930 alleles (0.0014%); highest among the groups gnomAD compares: Middle Eastern, 0.016%; no homozygotes.

Submissions (2):

Labcorp Genetics (formerly Invitae), Labcorp
Classification: Uncertain significance for Brugada syndrome. Last evaluated: 2025-10-07. Review status: criteria provided, single submitter. Criteria: Invitae Variant Classification Sherloc (09022015). Collection method: clinical testing. Allele origin: germline.
Comment: This sequence change creates a premature translational stop signal (p.Tyr1534*) in the SCN10A gene. It is expected to result in an absent or disrupted protein product. However, the current clinical and genetic evidence is not sufficient to establish whether loss-of-function variants in SCN10A cause disease. This variant is present in population databases (rs745506408, gnomAD 0.0009%). This variant has not been reported in the literature in individuals affected with SCN10A-related conditions. ClinVar contains an entry for this variant (Variation ID: 1741829). In summary, the available evidence is currently insufficient to determine the role of this variant in disease. Therefore, it has been classified as a Variant of Uncertain Significance.

Ambry Genetics
Classification: Uncertain significance for Cardiovascular phenotype. Last evaluated: 2025-08-25. Review status: criteria provided, single submitter. Criteria: Ambry Variant Classification Scheme 2023. Collection method: clinical testing. Allele origin: germline.
Comment: The p.Y1534* variant (also known as c.4602C>A), located in coding exon 26 of the SCN10A gene, results from a C to A substitution at nucleotide position 4602. This changes the amino acid from a tyrosine to a stop codon within coding exon 26. The evidence for this gene-disease relationship is limited; therefore, the clinical significance of this alteration is unclear.

NM_006514.4(SCN10A):c.4602C>A (p.Tyr1534Ter)

Gene: SCN10A (sodium voltage-gated channel alpha subunit 10; minus strand). Cytogenetic location: 3p22.2.
Variant type: single nucleotide variant.
Coding change: c.4602C>A on transcript NM_006514.4 (MANE Select); coding-DNA position 4602, C replaced by A.
Protein change: p.Tyr1534Ter; replaces tyrosine 1534 with a stop codon.
Molecular consequence: nonsense.
Genome position (GRCh38, 1-based): chr3:38,701,894, G>T on the plus strand (C>A on the coding strand, the complement: SCN10A is on the minus strand). VCF-style: chr3-38701894-G-T. GRCh37 (hg19) VCF-style: chr3-38743385-G-T.
Other names: c.4599C>A, p.Tyr1533Ter (NM_001293306.2); c.4308C>A, p.Tyr1436Ter (NM_001293307.2); short protein forms Y1534*, Y1436*, Y1533*.
Identifiers: ClinVar variation 1741829 (VCV001741829.7), dbSNP rs745506408, ClinGen allele CA2319864.
Genomic context (GRCh38, chr3:38,701,894, plus strand): 5'-CTTACTCGCAATGGAGAGAACCACCACAATGAAGTCAAACACATTCCAGCCATTTGTGAA[G>T]TAGTACTGCCTCAAAGCGAACATCTTCATGACACATTCGCCTGTGAAGACGGCCACAAAG-3'